The following is an entry in ClinVar:

ClinVar aggregate classification (germline): Likely benign (0 of 4 stars; one submission).

Conditions:
BAAT-related disorder. Also called: BAAT-related condition.

Submission:

PreventionGenetics, part of Exact Sciences
Classification: Likely benign for BAAT-related condition. Last evaluated: 2024-08-06. Review status: no assertion criteria provided. Collection method: clinical testing. Allele origin: germline.
Comment: This variant is classified as likely benign based on ACMG/AMP sequence variant interpretation guidelines (Richards et al. 2015 PMID: 25741868, with internal and published modifications).

NM_001701.4(BAAT):c.462T>A (p.Pro154=)

Gene: BAAT (bile acid-CoA:amino acid N-acyltransferase; minus strand). Cytogenetic location: 9q31.1.
Variant type: single nucleotide variant.
Coding change: c.462T>A on transcript NM_001701.4 (MANE Select); coding-DNA position 462, T replaced by A.
Protein change: p.Pro154=; no amino-acid change (proline 154 retained).
Molecular consequence: synonymous variant.
Genome position (GRCh38, 1-based): chr9:101,370,943, A>T on the plus strand (T>A on the coding strand, the complement: BAAT is on the minus strand). VCF-style: chr9-101370943-A-T. GRCh37 (hg19) VCF-style: chr9-104133225-A-T.
Other names: c.462T>A, p.Pro154= (NM_001127610.2, NM_001374715.1).
Identifiers: ClinVar variation 3346493 (VCV003346493.1).